The following is an entry in ClinVar:

ClinVar aggregate classification (germline): Uncertain significance (1 of 4 stars; one submission).

Conditions:
Cardiovascular phenotype. Identifiers: MedGen CN230736.

gnomAD v4.1: 3 of 1,614,148 alleles (0.00019%); highest among the groups gnomAD compares: Non-Finnish European, 0.00025%; no homozygotes.

Submission:

Ambry Genetics
Classification: Uncertain significance for Cardiovascular phenotype. Last evaluated: 2024-11-23. Review status: criteria provided, single submitter. Criteria: Ambry Variant Classification Scheme 2023. Collection method: clinical testing. Allele origin: germline.
Comment: The p.L838F variant (also known as c.2512C>T), located in coding exon 17 of the APOB gene, results from a C to T substitution at nucleotide position 2512. The leucine at codon 838 is replaced by phenylalanine, an amino acid with highly similar properties. This amino acid position is conserved. In addition, this alteration is predicted to be tolerated by in silico analysis. Based on the available evidence, the clinical significance of this variant remains unclear.

NM_000384.3(APOB):c.2512C>T (p.Leu838Phe)

Gene: APOB (apolipoprotein B; minus strand). Cytogenetic location: 2p24.1.
Variant type: single nucleotide variant.
Coding change: c.2512C>T on transcript NM_000384.3 (MANE Select); coding-DNA position 2512, C replaced by T.
Protein change: p.Leu838Phe; replaces leucine 838 with phenylalanine.
Molecular consequence: missense variant.
Genome position (GRCh38, 1-based): chr2:21,023,617, G>A on the plus strand (C>T on the coding strand, the complement: APOB is on the minus strand). VCF-style: chr2-21023617-G-A. GRCh37 (hg19) VCF-style: chr2-21246489-G-A.
Other names: short protein forms L838F.
Identifiers: ClinVar variation 3416398 (VCV003416398.1).